The following is an entry in ClinVar:

ClinVar aggregate classification (germline): Benign/Likely benign. Review status: criteria provided, multiple submitters, no conflicts (2 of 4 stars). 8 submissions from 8 submitters: Benign (4); Likely benign (3). 1 of the submissions does not count toward it. Last evaluated 2026-01-05.

Conditions:
SPTAN1-related disorder. Also called: SPTAN1-related condition; SPTAN1-related disorders.
Early-infantile DEE. Also called: Early infantile epileptic encephalopathy; Early infantile epileptic encephalopathy with suppression bursts; Ohtahara syndrome. Identifiers: Orphanet 1934, MedGen C0393706, MONDO:0800491.
Inborn genetic diseases. Identifiers: MedGen C0950123, MeSH D030342.
Developmental and epileptic encephalopathy, 5 (DEE5). Identifiers: Orphanet 3451, MedGen C3150731, MONDO:0013277, OMIM 613477.

Allele frequency attached by ClinVar (database versions not stated): gnomAD exomes 0.00009 and 0.00027; ExAC 0.00035; gnomAD 0.00101 and 0.00113; ESP Exome Variant Server 0.00108; 1000 Genomes Project 30x 0.00125; TOPMed 0.00133; 1000 Genomes Project 0.00140.
gnomAD v4.1: 295 of 1,614,026 alleles (0.018%); highest among the groups gnomAD compares: African/African-American, 0.35%; 1 homozygote.

Submissions (8):

Labcorp Genetics (formerly Invitae), Labcorp
Classification: Benign for Early-infantile DEE. Last evaluated: 2026-01-05. Review status: criteria provided, single submitter. Criteria: Invitae Variant Classification Sherloc (09022015). Collection method: clinical testing. Allele origin: germline.

CeGaT Center for Human Genetics Tuebingen
Classification: Likely benign. Last evaluated: 2023-04-01. Review status: criteria provided, single submitter. Criteria: CeGaT Center For Human Genetics Tuebingen Variant Classification Criteria Version 2. Collection method: clinical testing. Allele origin: germline. Affected: yes. Observed: 1 variant allele.
Comment: SPTAN1: BP4, BS1

Genome-Nilou Lab
Classification: Benign for Developmental and epileptic encephalopathy, 5. Last evaluated: 2021-07-15. Review status: criteria provided, single submitter. Criteria: ACMG Guidelines, 2015. Collection method: clinical testing. Allele origin: germline. Affected: no.

Athena Diagnostics
Classification: Benign. Last evaluated: 2018-04-18. Review status: criteria provided, single submitter. Criteria: Athena Diagnostics Criteria. Collection method: clinical testing. Allele origin: germline.

Ambry Genetics
Classification: Likely benign for Inborn genetic diseases. Last evaluated: 2017-01-12. Review status: criteria provided, single submitter. Criteria: Ambry Variant Classification Scheme 2023. Collection method: clinical testing. Allele origin: germline.

Genetic Services Laboratory, University of Chicago
Classification: Likely benign. Last evaluated: 2014-04-21. Review status: criteria provided, single submitter. Criteria: ACMG Guidelines, 2007. Collection method: clinical testing. Allele origin: germline. Inheritance: Autosomal dominant inheritance.
Comment: Likely benign based on allele frequency in 1000 Genomes Project or ESP global frequency and its presence in a patient with a rare or unrelated disease phenotype. NOT Sanger confirmed

GeneDx
Classification: Benign. Last evaluated: 2013-10-16. Review status: criteria provided, single submitter. Criteria: GeneDx Variant Classification (06012015). Collection method: clinical testing. Allele origin: germline. Affected: yes.
Comment: This variant is considered likely benign or benign based on one or more of the following criteria: it is a conservative change, it occurs at a poorly conserved position in the protein, it is predicted to be benign by multiple in silico algorithms, and/or has population frequency not consistent with disease.

PreventionGenetics, part of Exact Sciences
Classification: Likely benign for SPTAN1-related condition. Last evaluated: 2022-08-10. Review status: no assertion criteria provided. Collection method: clinical testing. Allele origin: germline. Not counted in ClinVar's aggregate classification.
Comment: This variant is classified as likely benign based on ACMG/AMP sequence variant interpretation guidelines (Richards et al. 2015 PMID: 25741868, with internal and published modifications).

NM_001130438.3(SPTAN1):c.1737C>T (p.Phe579=)

Gene: SPTAN1 (spectrin alpha, non-erythrocytic 1; plus strand). Cytogenetic location: 9q34.11.
Variant type: single nucleotide variant.
Coding change: c.1737C>T on transcript NM_001130438.3 (MANE Select); coding-DNA position 1737, C replaced by T.
Protein change: p.Phe579=; no amino-acid change (phenylalanine 579 retained).
Molecular consequence: synonymous variant.
Genome position (GRCh38, 1-based): chr9:128,582,780, C>T. VCF-style: chr9-128582780-C-T. GRCh37 (hg19) VCF-style: chr9-131345059-C-T.
Other names: p.F579F:TTC>TTT; c.1737C>T, p.Phe579= (NM_001195532.2, NM_001363759.2, NM_001363765.2 and 1 more transcripts).
Identifiers: ClinVar variation 139272 (VCV000139272.47), dbSNP rs143941068, ClinGen allele CA295175.